The following is an entry in ClinVar:

NM_005263.5(GFI1):c.1028A>G (p.Gln343Arg)

Gene: GFI1 (growth factor independent 1 transcriptional repressor; minus strand). Cytogenetic location: 1p22.1.
Variant type: single nucleotide variant.
Coding change: c.1028A>G on transcript NM_005263.5 (MANE Select); coding-DNA position 1028, A replaced by G.
Protein change: p.Gln343Arg; replaces glutamine 343 with arginine.
Molecular consequence: missense variant.
Genome position (GRCh38, 1-based): chr1:92,478,650, T>C on the plus strand (A>G on the coding strand, the complement: GFI1 is on the minus strand). VCF-style: chr1-92478650-T-C. GRCh37 (hg19) VCF-style: chr1-92944207-T-C.
Other names: c.1028A>G, p.Gln343Arg (NM_001127215.3, NM_001127216.3); short protein forms Q343R.
Identifiers: ClinVar variation 4263229 (VCV004263229.1).

ClinVar aggregate classification (germline): Uncertain significance (1 of 4 stars; one submission).

Submission:

Ambry Genetics
Classification: Uncertain significance. Last evaluated: 2025-08-07. Review status: criteria provided, single submitter. Criteria: Ambry Variant Classification Scheme 2023. Collection method: clinical testing. Allele origin: germline.
Comment: The p.Q343R variant (also known as c.1028A>G), located in coding exon 5 of the GFI1 gene, results from an A to G substitution at nucleotide position 1028. The glutamine at codon 343 is replaced by arginine, an amino acid with highly similar properties. This amino acid position is conserved. In addition, this alteration is predicted to be tolerated by in silico analysis. Based on the available evidence, the clinical significance of this variant remains unclear.